The following is an entry in ClinVar:

NM_006059.4(LAMC3):c.2129A>G (p.Asn710Ser)

Gene: LAMC3 (laminin subunit gamma 3; plus strand). Cytogenetic location: 9q34.12.
Variant type: single nucleotide variant.
Coding change: c.2129A>G on transcript NM_006059.4 (MANE Select); coding-DNA position 2129, A replaced by G.
Protein change: p.Asn710Ser; replaces asparagine 710 with serine.
Molecular consequence: missense variant.
Genome position (GRCh38, 1-based): chr9:131,057,118, A>G. VCF-style: chr9-131057118-A-G. GRCh37 (hg19) VCF-style: chr9-133932505-A-G.
Other names: short protein forms N710S.
Identifiers: ClinVar variation 2194263 (VCV002194263.4), dbSNP rs1834423951, ClinGen allele CA375266368.
Genomic context (GRCh38, chr9:131,057,118, plus strand): 5'-GATACAAGAGGGAGATGCCACAGGGGGGTCCCTATGCCAGCTGTGTCCCCTGCACCTGTA[A>G]CCAGCATGGCACCTGTGACCCCAACACAGGTGAGTCTCCTGGCACCCCATCCGAAGGCAC-3'
Protein context (NP_006050.3, residues 700-720): PYASCVPCTC[Asn710Ser]QHGTCDPNTG

ClinVar aggregate classification (germline): Uncertain significance (1 of 4 stars; one submission).

Allele frequency attached by ClinVar (database versions not stated): TOPMed 0.00001.

Submission:

Labcorp Genetics (formerly Invitae), Labcorp
Classification: Uncertain significance. Last evaluated: 2022-04-16. Review status: criteria provided, single submitter. Criteria: Invitae Variant Classification Sherloc (09022015). Collection method: clinical testing. Allele origin: germline.
Comment: This sequence change replaces asparagine, which is neutral and polar, with serine, which is neutral and polar, at codon 710 of the LAMC3 protein (p.Asn710Ser). This variant is not present in population databases (gnomAD no frequency). This variant has not been reported in the literature in individuals affected with LAMC3-related conditions. Algorithms developed to predict the effect of missense changes on protein structure and function are either unavailable or do not agree on the potential impact of this missense change (SIFT: "Tolerated"; PolyPhen-2: "Probably Damaging"; Align-GVGD: "Class C0"). Algorithms developed to predict the effect of sequence changes on RNA splicing suggest that this variant may create or strengthen a splice site. In summary, the available evidence is currently insufficient to determine the role of this variant in disease. Therefore, it has been classified as a Variant of Uncertain Significance.